The following is an entry in ClinVar:

ClinVar aggregate classification (germline): Uncertain significance (1 of 4 stars; one submission).

Conditions:
Early-infantile DEE. Also called: Ohtahara syndrome; Early infantile epileptic encephalopathy with suppression bursts; Early infantile epileptic encephalopathy. Identifiers: Orphanet 1934, MedGen C0393706, MONDO:0800491.

gnomAD v4.1: 2 of 1,614,170 alleles (0.00012%); highest among the groups gnomAD compares: Non-Finnish European, 0.00017%; no homozygotes.

Submission:

Labcorp Genetics (formerly Invitae), Labcorp
Classification: Uncertain significance for Early-infantile DEE. Last evaluated: 2022-06-27. Review status: criteria provided, single submitter. Criteria: Invitae Variant Classification Sherloc (09022015). Collection method: clinical testing. Allele origin: germline.
Comment: ClinVar contains an entry for this variant (Variation ID: 841642). In summary, the available evidence is currently insufficient to determine the role of this variant in disease. Therefore, it has been classified as a Variant of Uncertain Significance. Advanced modeling of protein sequence and biophysical properties (such as structural, functional, and spatial information, amino acid conservation, physicochemical variation, residue mobility, and thermodynamic stability) performed at Invitae indicates that this missense variant is not expected to disrupt SCN1A protein function. This variant has not been reported in the literature in individuals affected with SCN1A-related conditions. This variant is not present in population databases (gnomAD no frequency). This sequence change replaces asparagine, which is neutral and polar, with aspartic acid, which is acidic and polar, at codon 601 of the SCN1A protein (p.Asn601Asp).

NM_001165963.4(SCN1A):c.1801A>G (p.Asn601Asp)

Gene: SCN1A (sodium voltage-gated channel alpha subunit 1; minus strand). Cytogenetic location: 2q24.3.
Variant type: single nucleotide variant.
Coding change: c.1801A>G on transcript NM_001165963.4 (MANE Select); coding-DNA position 1801, A replaced by G.
Protein change: p.Asn601Asp; replaces asparagine 601 with aspartic acid.
Molecular consequence: missense variant. On other transcripts: 5 prime UTR variant (1), non-coding transcript variant (1).
Genome position (GRCh38, 1-based): chr2:166,043,911, T>C on the plus strand (A>G on the coding strand, the complement: SCN1A is on the minus strand). VCF-style: chr2-166043911-T-C. GRCh37 (hg19) VCF-style: chr2-166900421-T-C.
Other names: c.1801A>G, p.Asn601Asp (NM_001165964.3, NM_001202435.3, NM_001353948.2 and 7 more transcripts); c.1798A>G, p.Asn600Asp (NM_001353954.2, NM_001353955.2, NM_001353960.2); c.-625A>G (NM_001353961.2); short protein forms N601D, N600D.
Identifiers: ClinVar variation 841642 (VCV000841642.10), dbSNP rs1697474227, ClinGen allele CA349067624.
Genomic context (GRCh38, chr2:166,043,911, plus strand): 5'-TGCTGTTGCGTCTCTCTCCGTGTCGTCGGGGCACAAACAAGGAATCTCTACGGCTCTCGT[T>C]ATCCTCAAAGGTGCTGTGCTCATCATCTGCGAAGTCGTTCTCAGATCCCACATCCTTTGC-3'
Protein context (NP_001159435.1, residues 591-611): ADDEHSTFED[Asn601Asp]ESRRDSLFVP